The following is an entry in ClinVar:

ClinVar aggregate classification (germline): Pathogenic (1 of 4 stars; one submission).

Submission:

Labcorp Genetics (formerly Invitae), Labcorp
Classification: Pathogenic. Last evaluated: 2024-03-18. Review status: criteria provided, single submitter. Criteria: Invitae Variant Classification Sherloc (09022015). Collection method: clinical testing. Allele origin: germline.
Comment: This sequence change creates a premature translational stop signal (p.Thr246Asnfs*21) in the NEXMIF gene. It is expected to result in an absent or disrupted protein product. Loss-of-function variants in NEXMIF are known to be pathogenic (PMID: 23615299). This variant is not present in population databases (gnomAD no frequency). This variant has not been reported in the literature in individuals affected with NEXMIF-related conditions. For these reasons, this variant has been classified as Pathogenic.

Literature cited by the submitters: PubMed 23615299.

NM_001008537.3(NEXMIF):c.736dup (p.Thr246fs)

Gene: NEXMIF (neurite extension and migration factor; minus strand). Cytogenetic location: Xq13.3.
Variant type: Duplication.
Coding change: c.736dup on transcript NM_001008537.3 (MANE Select); coding-DNA position 736, one base duplicated (A; older notation c.736dupA).
Protein change: p.Thr246fs; shifts the reading frame from threonine 246.
Molecular consequence: frameshift variant.
Genome position (GRCh38, 1-based): chrX:74,743,821, T duplicated on the plus strand (A on the coding strand, the reverse complement: NEXMIF is on the minus strand). VCF-style (leftmost placement, unchanged base first): chrX-74743820-G-GT. GRCh37 (hg19) VCF-style: chrX-73963655-G-GT.
Other names: short protein forms T246fs.
Identifiers: ClinVar variation 2762752 (VCV002762752.3), dbSNP rs2519916274, ClinGen allele CA2697553162.